The following is an entry in ClinVar:

NM_005051.3(QARS1):c.877-15G>A

Gene: QARS1 (glutaminyl-tRNA synthetase 1; minus strand). Cytogenetic location: 3p21.31.
Variant type: single nucleotide variant.
Coding change: c.877-15G>A on transcript NM_005051.3 (MANE Select); 15 bases into the intron before coding-DNA position 877, G replaced by A.
Molecular consequence: intron variant.
Genome position (GRCh38, 1-based): chr3:49,100,689, C>T on the plus strand (G>A on the coding strand, the complement: QARS1 is on the minus strand). VCF-style: chr3-49100689-C-T. GRCh37 (hg19) VCF-style: chr3-49138122-C-T.
Other names: c.844-15G>A (NM_001272073.2).
Identifiers: ClinVar variation 388932 (VCV000388932.5), dbSNP rs368949211, ClinGen allele CA2391955.

ClinVar aggregate classification (germline): Likely benign. Review status: criteria provided, multiple submitters, no conflicts (2 of 4 stars). 2 submissions from 2 submitters: Likely benign (2). Last evaluated 2025-10-01.

Conditions:
Diffuse cerebral and cerebellar atrophy - intractable seizures - progressive microcephaly syndrome. Also called: Microcephaly, progressive, with seizures and cerebral and cerebellar atrophy. Identifiers: Orphanet 404437, MedGen C4014239, MONDO:0014335, OMIM 615760.

Allele frequency attached by ClinVar (database versions not stated): gnomAD exomes 0.00008; ExAC 0.00011; gnomAD 0.00013 and 0.00015; ESP Exome Variant Server 0.00015; TOPMed 0.00020.
gnomAD v4.1: 203 of 1,543,464 alleles (0.013%); highest among the groups gnomAD compares: African/African-American, 0.03%; no homozygotes.

Submissions (2):

Labcorp Genetics (formerly Invitae), Labcorp
Classification: Likely benign for Diffuse cerebral and cerebellar atrophy - intractable seizures - progressive microcephaly syndrome. Last evaluated: 2025-10-01. Review status: criteria provided, single submitter. Criteria: Invitae Variant Classification Sherloc (09022015). Collection method: clinical testing. Allele origin: germline.

GeneDx
Classification: Likely benign. Last evaluated: 2017-12-27. Review status: criteria provided, single submitter. Criteria: GeneDx Variant Classification (06012015). Collection method: clinical testing. Allele origin: germline. Affected: yes.
Comment: This variant is considered likely benign or benign based on one or more of the following criteria: it is a conservative change, it occurs at a poorly conserved position in the protein, it is predicted to be benign by multiple in silico algorithms, and/or has population frequency not consistent with disease.